The following is an entry in ClinVar:

NM_000426.4(LAMA2):c.9192_9193del (p.Phe3065fs)

Gene: LAMA2 (laminin subunit alpha 2; plus strand). Cytogenetic location: 6q22.33.
Variant type: Microsatellite.
Coding change: c.9192_9193del on transcript NM_000426.4 (MANE Select); coding-DNA positions 9192 to 9193, 2 bases deleted (GT; older notation c.9192_9193delGT).
Protein change: p.Phe3065fs; shifts the reading frame from phenylalanine 3065.
Molecular consequence: frameshift variant.
Genome position (GRCh38, 1-based): chr6:129,514,576-129,514,577, GT deleted; deleting any 2 consecutive bases within chr6:129,514,573-129,514,577 gives the same sequence; the c. name uses the placement nearest the transcript's 3' end. VCF-style (leftmost placement, unchanged base first): chr6-129514572-CTG-C. GRCh37 (hg19) VCF-style: chr6-129835717-CTG-C.
Other names: c.9180_9181del, p.Phe3061fs (NM_001079823.2); short protein forms F3061fs, F3065fs.
Identifiers: ClinVar variation 1200482 (VCV001200482.11), dbSNP rs1786879628, ClinGen allele CA1094399748.

ClinVar aggregate classification (germline): Pathogenic/Likely pathogenic. Review status: criteria provided, multiple submitters, no conflicts (2 of 4 stars). 2 submissions from 2 submitters: Pathogenic (1); Likely pathogenic (1). Last evaluated 2023-04-20.

Conditions:
LAMA2-related muscular dystrophy (LAMA2-RD). Also called: Laminin alpha 2-related dystrophy. Identifiers: MedGen C5679788, MONDO:0100228.

Submissions (2):

Labcorp Genetics (formerly Invitae), Labcorp
Classification: Pathogenic for LAMA2-related muscular dystrophy. Last evaluated: 2023-04-20. Review status: criteria provided, single submitter. Criteria: Invitae Variant Classification Sherloc (09022015). Collection method: clinical testing. Allele origin: germline.
Comment: For these reasons, this variant has been classified as Pathogenic. This variant disrupts a region of the LAMA2 protein in which other variant(s) (p.Thr3080Asnfs*26) have been determined to be pathogenic (PMID: 20207543; Invitae). This suggests that this is a clinically significant region of the protein, and that variants that disrupt it are likely to be disease-causing. ClinVar contains an entry for this variant (Variation ID: 1200482). This variant has not been reported in the literature in individuals affected with LAMA2-related conditions. This variant is not present in population databases (gnomAD no frequency). This sequence change creates a premature translational stop signal (p.Phe3065Cysfs*7) in the LAMA2 gene. While this is not anticipated to result in nonsense mediated decay, it is expected to disrupt the last 58 amino acid(s) of the LAMA2 protein.

GeneDx
Classification: Likely pathogenic. Last evaluated: 2019-10-11. Review status: criteria provided, single submitter. Criteria: GeneDx Variant Classification Process June 2021. Collection method: clinical testing. Allele origin: germline. Affected: yes.
Comment: Frameshift variant in the C-terminus predicted to result in protein truncation, as the last 58 amino acids are lost and replaced with 6 incorrect amino acids; Not observed in large population cohorts (Lek et al., 2016); Has not been previously published as pathogenic or benign to our knowledge

Literature cited by the submitters: PubMed 20207543 (cited by Labcorp Genetics (formerly Invitae), Labcorp).